The following is an entry in ClinVar:

NM_001008537.3(NEXMIF):c.2094C>T (p.Asp698=)

Gene: NEXMIF (neurite extension and migration factor; minus strand). Cytogenetic location: Xq13.3.
Variant type: single nucleotide variant.
Coding change: c.2094C>T on transcript NM_001008537.3 (MANE Select); coding-DNA position 2094, C replaced by T.
Protein change: p.Asp698=; no amino-acid change (aspartic acid 698 retained).
Molecular consequence: synonymous variant.
Genome position (GRCh38, 1-based): chrX:74,742,463, G>A on the plus strand (C>T on the coding strand, the complement: NEXMIF is on the minus strand). VCF-style: chrX-74742463-G-A. GRCh37 (hg19) VCF-style: chrX-73962298-G-A.
Identifiers: ClinVar variation 1958299 (VCV001958299.7), dbSNP rs2519914511, ClinGen allele CA517467392.

ClinVar aggregate classification (germline): Likely benign. Review status: criteria provided, multiple submitters, no conflicts (2 of 4 stars). 2 submissions from 2 submitters: Likely benign (2). Last evaluated 2026-06-01.

Allele frequency attached by ClinVar (database versions not stated): gnomAD exomes below 0.00001.
gnomAD v4.1: 3 of 1,209,656 alleles (0.00025%); highest among the groups gnomAD compares: South Asian, 0.0018%; no homozygotes.

Submissions (2):

CeGaT Center for Human Genetics Tuebingen
Classification: Likely benign. Last evaluated: 2026-06-01. Review status: criteria provided, single submitter. Criteria: CeGaT Center For Human Genetics Tuebingen Variant Classification Criteria Version 2. Collection method: clinical testing. Allele origin: germline. Affected: yes. Observed: 1 variant allele.
Comment: NEXMIF: BP4, BP7

Labcorp Genetics (formerly Invitae), Labcorp
Classification: Likely benign. Last evaluated: 2023-11-27. Review status: criteria provided, single submitter. Criteria: Invitae Variant Classification Sherloc (09022015). Collection method: clinical testing. Allele origin: germline.